The following is an entry in ClinVar:

ClinVar aggregate classification (germline): Likely benign (1 of 4 stars; one submission).

Conditions:
CEP290-related disorder. Also called: CEP290-related disorders; CEP290-related condition. Identifiers: MedGen CN239314.

Submission:

PreventionGenetics, part of Exact Sciences
Classification: Likely benign for CEP290-related condition. Last evaluated: 2026-06-01. Review status: criteria provided, single submitter. Criteria: ACMG Guidelines, 2015. Collection method: clinical testing. Allele origin: germline.
Comment: This variant is classified as likely benign based on ACMG/AMP sequence variant interpretation guidelines (Richards et al. 2015 PMID: 25741868, with internal and published modifications).

NM_025114.4(CEP290):c.1190-7T>C

Gene: CEP290 (centrosomal protein 290; minus strand). Cytogenetic location: 12q21.32.
Variant type: single nucleotide variant.
Coding change: c.1190-7T>C on transcript NM_025114.4 (MANE Select); 7 bases into the intron before coding-DNA position 1190, T replaced by C.
Molecular consequence: intron variant.
Genome position (GRCh38, 1-based): chr12:88,121,173, A>G on the plus strand (T>C on the coding strand, the complement: CEP290 is on the minus strand). VCF-style: chr12-88121173-A-G. GRCh37 (hg19) VCF-style: chr12-88514950-A-G.
Identifiers: ClinVar variation 4988017 (VCV004988017.1).